The following is an entry in ClinVar:

ClinVar aggregate classification (germline): Pathogenic/Likely pathogenic. Review status: criteria provided, multiple submitters, no conflicts (2 of 4 stars). 2 submissions from 2 submitters: Pathogenic (1); Likely pathogenic (1). Last evaluated 2025-10-16.

Conditions:
Hereditary cancer-predisposing syndrome. Also called: Neoplastic Syndromes, Hereditary; Tumor predisposition; Hereditary neoplastic syndrome; Hereditary Cancer Syndrome. Identifiers: Orphanet 140162, MedGen C0027672, MeSH D009386, MONDO:0015356.

Submissions (2):

Ambry Genetics
Classification: Pathogenic for Hereditary cancer-predisposing syndrome. Last evaluated: 2025-10-16. Review status: criteria provided, single submitter. Criteria: Ambry Variant Classification Scheme 2023. Collection method: clinical testing. Allele origin: germline.
Comment: The p.R233G pathogenic mutation (also known as c.697C>G), located in coding exon 5 of the FH gene, results from a C to G substitution at nucleotide position 697. The arginine at codon 233 is replaced by glycine, an amino acid with dissimilar properties. Similar alterations affecting this same amino acid in the FH gene, p.R233C and p.R233H, have been reported in multiple individuals and families with Hereditary Leiomyomatosis and Renal Cell Carcinoma (HLRCC) (Picaud S et al. J. Inherit. Metab. Dis. 2011 Jun;34(3):671-6; Gardie B et al. J. Med. Genet. 2011 Apr;48(4):226-34; Huter E et al. Acta Derm. Venereol. 2008;88(1):63-5; Smit DL et al. Clin. Genet. 2011 Jan;79(1):49-59; Wang C et al. JAAD Case Rep. 2015 May;1(3):150-2). This amino acid position is highly conserved in available vertebrate species. In addition, this alteration is predicted to be deleterious by in silico analysis. This variant is considered to be rare based on population cohorts in the Genome Aggregation Database (gnomAD). Based on the supporting evidence, this variant is interpreted as a disease-causing mutation.

Labcorp Genetics (formerly Invitae), Labcorp
Classification: Likely pathogenic. Last evaluated: 2025-09-22. Review status: criteria provided, single submitter. Criteria: Invitae Variant Classification Sherloc (09022015). Collection method: clinical testing. Allele origin: germline.
Comment: This sequence change replaces arginine, which is basic and polar, with glycine, which is neutral and non-polar, at codon 233 of the FH protein (p.Arg233Gly). This variant is not present in population databases (gnomAD no frequency). This variant has not been reported in the literature in individuals affected with FH-related conditions. ClinVar contains an entry for this variant (Variation ID: 826742). Invitae Evidence Modeling of protein sequence and biophysical properties (such as structural, functional, and spatial information, amino acid conservation, physicochemical variation, residue mobility, and thermodynamic stability) indicates that this missense variant is expected to disrupt FH protein function with a positive predictive value of 95%. Algorithms developed to predict the effect of sequence changes on RNA splicing suggest that this variant may disrupt the consensus splice site. This variant disrupts the p.Arg233 amino acid residue in FH. Other variant(s) that disrupt this residue have been determined to be pathogenic (PMID: 2314594, 9300800, 11865300, 12772087, 15761418, 15937070, 20618355, 21398687, 22127509). This suggests that this residue is clinically significant, and that variants that disrupt this residue are likely to be disease-causing. In summary, the currently available evidence indicates that the variant is pathogenic, but additional data are needed to prove that conclusively. Therefore, this variant has been classified as Likely Pathogenic.

Literature cited by the submitters: PubMed 2314594 (cited by Labcorp Genetics (formerly Invitae), Labcorp); PubMed 9300800 (cited by Labcorp Genetics (formerly Invitae), Labcorp); PubMed 11865300 (cited by Labcorp Genetics (formerly Invitae), Labcorp); PubMed 12772087 (cited by Labcorp Genetics (formerly Invitae), Labcorp); PubMed 15761418 (cited by Labcorp Genetics (formerly Invitae), Labcorp); PubMed 15937070 (cited by Labcorp Genetics (formerly Invitae), Labcorp); PubMed 20618355 (cited by Labcorp Genetics (formerly Invitae), Labcorp); PubMed 21398687 (cited by Labcorp Genetics (formerly Invitae), Labcorp); PubMed 22127509 (cited by Labcorp Genetics (formerly Invitae), Labcorp).

NM_000143.4(FH):c.697C>G (p.Arg233Gly)

Gene: FH (fumarate hydratase; minus strand). Cytogenetic location: 1q43.
Variant type: single nucleotide variant.
Coding change: c.697C>G on transcript NM_000143.4 (MANE Select); coding-DNA position 697, C replaced by G.
Protein change: p.Arg233Gly; replaces arginine 233 with glycine.
Molecular consequence: missense variant.
Genome position (GRCh38, 1-based): chr1:241,508,644, G>C on the plus strand (C>G on the coding strand, the complement: FH is on the minus strand). VCF-style: chr1-241508644-G-C. GRCh37 (hg19) VCF-style: chr1-241671944-G-C.
Other names: short protein forms R233G.
Identifiers: ClinVar variation 826742 (VCV000826742.15), dbSNP rs587781682, ClinGen allele CA345439219.